The following is an entry in ClinVar:

ClinVar aggregate classification (germline): Uncertain significance (1 of 4 stars; one submission).

Submission:

GeneDx
Classification: Uncertain significance. Last evaluated: 2023-02-02. Review status: criteria provided, single submitter. Criteria: GeneDx Variant Classification Process June 2021. Collection method: clinical testing. Allele origin: germline. Affected: yes.
Comment: Not observed at significant frequency in large population cohorts (gnomAD); In silico analysis supports that this missense variant has a deleterious effect on protein structure/function; Has not been previously published as pathogenic or benign to our knowledge

NM_001009944.3(PKD1):c.2581T>A (p.Trp861Arg)

Gene: PKD1 (polycystin 1, transient receptor potential channel interacting; minus strand). Cytogenetic location: 16p13.3.
Variant type: single nucleotide variant.
Coding change: c.2581T>A on transcript NM_001009944.3 (MANE Select); coding-DNA position 2581, T replaced by A.
Protein change: p.Trp861Arg; replaces tryptophan 861 with arginine.
Molecular consequence: missense variant.
Genome position (GRCh38, 1-based): chr16:2,114,442, A>T on the plus strand (T>A on the coding strand, the complement: PKD1 is on the minus strand). VCF-style: chr16-2114442-A-T. GRCh37 (hg19) VCF-style: chr16-2164443-A-T.
Other names: c.2581T>A, p.Trp861Arg (NM_000296.4); short protein forms W861R.
Identifiers: ClinVar variation 2574862 (VCV002574862.1), dbSNP rs2544853124, ClinGen allele CA394387438.